The following is an entry in ClinVar:

NM_000492.4(CFTR):c.3114G>C (p.Gln1038His)

Genes: CFTR (CF transmembrane conductance regulator; plus strand), CFTR-AS2 (CFTR antisense RNA 2; minus strand), LOC111674472 (DNase I hypersensitive sites in introns 16 and 17a of CFTR; plus strand). Cytogenetic location: 7q31.2.
Variant type: single nucleotide variant.
Coding change: c.3114G>C on transcript NM_000492.4 (MANE Select); coding-DNA position 3114, G replaced by C.
Protein change: p.Gln1038His; replaces glutamine 1038 with histidine.
Molecular consequence: missense variant.
Genome position (GRCh38, 1-based): chr7:117,610,644, G>C. VCF-style: chr7-117610644-G-C. GRCh37 (hg19) VCF-style: chr7-117250698-G-C.
Other names: short protein forms Q1038H.
Identifiers: ClinVar variation 3832599 (VCV003832599.1).

ClinVar aggregate classification (germline): Uncertain significance (1 of 4 stars; one submission).

Conditions:
Cystic fibrosis (CF). Also called: MUCOVISCIDOSIS. Identifiers: Orphanet 586, MedGen C0010674, MONDO:0009061, OMIM 219700. Disease mechanism: loss of function.

Submission:

Ambry Genetics
Classification: Uncertain significance for Cystic fibrosis. Last evaluated: 2025-02-22. Review status: criteria provided, single submitter. Criteria: Ambry Variant Classification Scheme 2023. Collection method: clinical testing. Allele origin: germline.
Comment: The p.Q1038H variant (also known as c.3114G>C), located in coding exon 19 of the CFTR gene, results from a G to C substitution at nucleotide position 3114. The glutamine at codon 1038 is replaced by histidine, an amino acid with highly similar properties. This amino acid position is conserved. In addition, the in silico prediction for this alteration is inconclusive. Based on the available evidence, the clinical significance of this variant remains unclear.